The following is an entry in ClinVar:

ClinVar aggregate classification (germline): Pathogenic/Likely pathogenic. Review status: criteria provided, multiple submitters, no conflicts (2 of 4 stars). 5 submissions from 5 submitters: Pathogenic (4); Likely pathogenic (1). Last evaluated 2024-03-27.

Conditions:
Lynch syndrome. Identifiers: Orphanet 144, MedGen C4552100, MONDO:0005835. Disease mechanism: loss of function.
Lynch syndrome 4 (LYNCH4). Also called: Colorectal cancer, hereditary nonpolyposis, type 4; Hereditary non-polyposis colorectal cancer, type 4. Identifiers: Orphanet 144, MedGen C1838333, MONDO:0013699, OMIM 614337. Disease mechanism: loss of function.
Hereditary nonpolyposis colorectal neoplasms. Identifiers: MedGen C0009405, MeSH D003123.
Hereditary cancer-predisposing syndrome. Also called: Hereditary neoplastic syndrome; Tumor predisposition; Hereditary Cancer Syndrome; Neoplastic Syndromes, Hereditary. Identifiers: Orphanet 140162, MedGen C0027672, MeSH D009386, MONDO:0015356.

Submissions (5):

Labcorp Genetics (formerly Invitae), Labcorp
Classification: Pathogenic for Hereditary nonpolyposis colorectal neoplasms. Last evaluated: 2024-03-27. Review status: criteria provided, single submitter. Criteria: Invitae Variant Classification Sherloc (09022015). Collection method: clinical testing. Allele origin: germline.
Comment: This sequence change creates a premature translational stop signal (p.Ser445Alafs*3) in the PMS2 gene. It is expected to result in an absent or disrupted protein product. Loss-of-function variants in PMS2 are known to be pathogenic (PMID: 21376568, 24362816). This variant is not present in population databases (gnomAD no frequency). This variant has not been reported in the literature in individuals affected with PMS2-related conditions. ClinVar contains an entry for this variant (Variation ID: 492250). For these reasons, this variant has been classified as Pathogenic.

Myriad Genetics, Inc.
Classification: Pathogenic for Lynch syndrome 4. Last evaluated: 2023-09-20. Review status: criteria provided, single submitter. Criteria: Myriad Autosomal Dominant, Autosomal Recessive and X-Linked Classification Criteria (2023). Collection method: clinical testing. Allele origin: unknown.
Comment: This variant is considered pathogenic. This variant creates a frameshift predicted to result in premature protein truncation.

Ambry Genetics
Classification: Pathogenic for Hereditary cancer-predisposing syndrome. Last evaluated: 2023-03-24. Review status: criteria provided, single submitter. Criteria: Ambry Variant Classification Scheme 2023. Collection method: clinical testing. Allele origin: germline.
Comment: The c.1332delG pathogenic mutation, located in coding exon 11 of the PMS2 gene, results from a deletion of one nucleotide at nucleotide position 1332, causing a translational frameshift with a predicted alternate stop codon (p.S445Afs*3). This alteration is expected to result in loss of function by premature protein truncation or nonsense-mediated mRNA decay. This variant is considered to be rare based on population cohorts in the Genome Aggregation Database (gnomAD). As such, this alteration is interpreted as a disease-causing mutation.

Laboratory for Molecular Medicine, Mass General Brigham Personalized Medicine
Classification: Likely pathogenic for Lynch syndrome. Last evaluated: 2021-12-01. Review status: criteria provided, single submitter. Criteria: ACMG Guidelines, 2015. Collection method: clinical testing. Allele origin: germline. Inheritance: Autosomal dominant inheritance.
Comment: The p.Ser445AlafsX3 variant in PMS2 has not been reported in the literature in individuals with PMS2-associated cancers but has been reported by other clinical laboratories in ClinVar (Variation ID 492250). It was absent from large population studies. This variant is predicted to cause a frameshift, which alters the protein’s amino acid sequence beginning at position 445 and leads to a premature termination codon 3 amino acids downstream. This alteration is then predicted to lead to a truncated or absent protein. Loss of function of the PMS2 gene is an established disease mechanism in autosomal dominant Lynch syndrome. In summary, although additional studies are required to fully establish its clinical significance, this variant meets criteria to be classified as likely pathogenic for autosomal dominant Lynch syndrome. ACMG/AMP Criteria applied: PVS1, PM2_Supporting.

Color Diagnostics, LLC DBA Color Health
Classification: Pathogenic for Hereditary cancer-predisposing syndrome. Last evaluated: 2020-05-28. Review status: criteria provided, single submitter. Criteria: ACMG Guidelines, 2015. Collection method: clinical testing. Allele origin: germline.
Comment: This variant deletes 1 nucleotide in exon 11 of the PMS2 gene, creating a frameshift and premature translation stop signal. This variant is expected to result in an absent or non-functional protein product. To our knowledge, this variant has not been reported in individuals affected with hereditary cancer in the literature. This variant has not been identified in the general population by the Genome Aggregation Database (gnomAD). Loss of PMS2 function is a known mechanism of disease. Based on the available evidence, this variant is classified as Pathogenic.

Literature cited by the submitters: PubMed 21376568 (cited by Labcorp Genetics (formerly Invitae), Labcorp); PubMed 24362816 (cited by Labcorp Genetics (formerly Invitae), Labcorp).

NM_000535.7(PMS2):c.1332del (p.Ser445fs)

Gene: PMS2 (PMS1 homolog 2, mismatch repair system component; minus strand). Cytogenetic location: 7p22.1.
Variant type: Deletion.
Coding change: c.1332del on transcript NM_000535.7 (MANE Select); coding-DNA position 1332, one base deleted (G; older notation c.1332delG).
Protein change: p.Ser445fs; shifts the reading frame from serine 445.
Molecular consequence: frameshift variant. On other transcripts: non-coding transcript variant (1).
Genome position (GRCh38, 1-based): chr7:5,987,433, C deleted on the plus strand (G on the coding strand, the reverse complement: PMS2 is on the minus strand); the first of 2 consecutive C bases (chr7:5,987,433-5,987,434); deleting either gives the same sequence. VCF-style (leftmost placement, unchanged base first): chr7-5987432-TC-T. GRCh37 (hg19) VCF-style: chr7-6027063-TC-T.
Other names: c.927del, p.Ser310fs (NM_001322003.2, NM_001322004.2, NM_001322005.2 and 1 more transcripts); c.1176del, p.Ser393fs (NM_001322006.2); c.1014del, p.Ser339fs (NM_001322007.2, NM_001322008.2); c.771del, p.Ser258fs (NM_001322010.2); c.399del, p.Ser134fs (NM_001322011.2, NM_001322012.2); c.759del, p.Ser254fs (NM_001322013.2); c.1332del, p.Ser445fs (NM_001322014.2); c.1023del, p.Ser342fs (NM_001322015.2); short protein forms S134fs, S258fs, S310fs, S339fs, S445fs, S254fs, S342fs, S393fs.
Identifiers: ClinVar variation 492250 (VCV000492250.13), dbSNP rs1554297877, ClinGen allele CA658683471.